The following is an entry in ClinVar:

ClinVar aggregate classification (germline): Likely benign (1 of 4 stars; one submission).

Submission:

GeneDx
Classification: Likely benign. Last evaluated: 2016-08-26. Review status: criteria provided, single submitter. Criteria: GeneDx Variant Classification (06012015). Collection method: clinical testing. Allele origin: germline. Affected: yes.
Comment: This variant is considered likely benign or benign based on one or more of the following criteria: it is a conservative change, it occurs at a poorly conserved position in the protein, it is predicted to be benign by multiple in silico algorithms, and/or has population frequency not consistent with disease.

NM_001184880.2(PCDH19):c.-38del

Gene: PCDH19 (protocadherin 19; minus strand). Cytogenetic location: Xq22.1.
Variant type: Deletion.
Coding change: c.-38del on transcript NM_001184880.2 (MANE Select); 38 bases upstream of the start codon, one base deleted (G; older notation c.-38delG).
Molecular consequence: 5 prime UTR variant.
Genome position (GRCh38, 1-based): chrX:100,408,635, C deleted on the plus strand (G on the coding strand, the reverse complement: PCDH19 is on the minus strand); the first of 4 consecutive C bases (chrX:100,408,635-100,408,638); deleting any one gives the same sequence. VCF-style (leftmost placement, unchanged base first): chrX-100408634-AC-A. GRCh37 (hg19) VCF-style: chrX-99663632-AC-A.
Other names: c.-38del (NM_001105243.2, NM_020766.3).
Identifiers: ClinVar variation 422109 (VCV000422109.1), dbSNP rs1064795564, ClinGen allele CA16621154.